The following is an entry in ClinVar:

ClinVar aggregate classification (germline): Uncertain significance (1 of 4 stars; one submission).

Submission:

Labcorp Genetics (formerly Invitae), Labcorp
Classification: Uncertain significance. Last evaluated: 2022-08-16. Review status: criteria provided, single submitter. Criteria: Invitae Variant Classification Sherloc (09022015). Collection method: clinical testing. Allele origin: germline.
Comment: This variant results in a copy number gain of the genomic region encompassing exon(s) 8-16 of the DZIP1L gene. This region includes the termination codon of the gene. This copy number gain extends beyond the assayed region for this gene and therefore may encompass additional genes. As the precise location of this event is unknown, it may be in tandem or it may be located elsewhere in the genome. This variant has not been reported in the literature in individuals affected with DZIP1L-related conditions. In summary, the available evidence is currently insufficient to determine the role of this variant in disease. Therefore, it has been classified as a Variant of Uncertain Significance.

NC_000003.11:g.(?_137781658)_(137803115_?)dup

Gene: DZIP1L (DAZ interacting zinc finger protein 1 like; minus strand). Cytogenetic location: 3q22.3.
Variant type: Duplication.
Identifiers: ClinVar variation 2427502 (VCV002427502.3).